The following is an entry in ClinVar:

NM_001365999.1(SZT2):c.2356C>A (p.Leu786Met)

Gene: SZT2 (SZT2 subunit of KICSTOR complex; plus strand). Cytogenetic location: 1p34.2.
Variant type: single nucleotide variant.
Coding change: c.2356C>A on transcript NM_001365999.1 (MANE Select); coding-DNA position 2356, C replaced by A.
Protein change: p.Leu786Met; replaces leucine 786 with methionine.
Molecular consequence: missense variant.
Genome position (GRCh38, 1-based): chr1:43,424,317, C>A. VCF-style: chr1-43424317-C-A. GRCh37 (hg19) VCF-style: chr1-43889988-C-A.
Other names: c.2356C>A, p.Leu786Met (NM_015284.4); short protein forms L786M.
Identifiers: ClinVar variation 1365388 (VCV001365388.6), dbSNP rs878855007, ClinGen allele CA340012489.

ClinVar aggregate classification (germline): Uncertain significance (1 of 4 stars; one submission).

Allele frequency attached by ClinVar (database versions not stated): gnomAD 0.00001.
gnomAD v4.1: 1 of 1,597,992 alleles (0.000063%); highest among the groups gnomAD compares: Admixed American, 0.0017%; no homozygotes.

Submission:

Labcorp Genetics (formerly Invitae), Labcorp
Classification: Uncertain significance. Last evaluated: 2021-07-01. Review status: criteria provided, single submitter. Criteria: Invitae Variant Classification Sherloc (09022015). Collection method: clinical testing. Allele origin: germline.
Comment: In summary, the available evidence is currently insufficient to determine the role of this variant in disease. Therefore, it has been classified as a Variant of Uncertain Significance. Algorithms developed to predict the effect of missense changes on protein structure and function are either unavailable or do not agree on the potential impact of this missense change (SIFT: "Deleterious"; PolyPhen-2: "Probably Damaging"; Align-GVGD: "Class C0"). This variant has not been reported in the literature in individuals affected with SZT2-related conditions. This variant is not present in population databases (ExAC no frequency). This sequence change replaces leucine with methionine at codon 786 of the SZT2 protein (p.Leu786Met). The leucine residue is moderately conserved and there is a small physicochemical difference between leucine and methionine.